The following is an entry in ClinVar:

NM_000061.3(BTK):c.1540T>A (p.Ser514Thr)

Gene: BTK (Bruton tyrosine kinase; minus strand). Cytogenetic location: Xq22.1.
Variant type: single nucleotide variant.
Coding change: c.1540T>A on transcript NM_000061.3 (MANE Select); coding-DNA position 1540, T replaced by A.
Protein change: p.Ser514Thr; replaces serine 514 with threonine.
Molecular consequence: missense variant. On other transcripts: intron variant (1).
Genome position (GRCh38, 1-based): chrX:101,356,078, A>T on the plus strand (T>A on the coding strand, the complement: BTK is on the minus strand). VCF-style: chrX-101356078-A-T. GRCh37 (hg19) VCF-style: chrX-100611066-A-T.
Other names: c.1642T>A, p.Ser548Thr (NM_001287344.2); c.1039-1384T>A (NM_001287345.2); short protein forms S514T, S548T.
Identifiers: ClinVar variation 3672364 (VCV003672364.2).

ClinVar aggregate classification (germline): Uncertain significance (1 of 4 stars; one submission).

Conditions:
X-linked agammaglobulinemia with growth hormone deficiency (IGHD3). Also called: ISOLATED GROWTH HORMONE DEFICIENCY, TYPE III, WITH AGAMMAGLOBULINEMIA; FLEISHER SYNDROME; HYPOGAMMAGLOBULINEMIA AND ISOLATED GROWTH HORMONE DEFICIENCY, X-LINKED; IGHD III; Isolated growth hormone deficiency type 3; Growth hormone deficiency with hypogammaglobulinemia. Identifiers: Orphanet 231692, Orphanet 631, MedGen C0472813, MONDO:0010615, OMIM 307200.

Submission:

Labcorp Genetics (formerly Invitae), Labcorp
Classification: Uncertain significance for X-linked agammaglobulinemia with growth hormone deficiency. Last evaluated: 2024-03-16. Review status: criteria provided, single submitter. Criteria: Invitae Variant Classification Sherloc (09022015). Collection method: clinical testing. Allele origin: germline.
Comment: This sequence change replaces serine, which is neutral and polar, with threonine, which is neutral and polar, at codon 514 of the BTK protein (p.Ser514Thr). This variant is not present in population databases (gnomAD no frequency). This variant has not been reported in the literature in individuals affected with BTK-related conditions. Advanced modeling of protein sequence and biophysical properties (such as structural, functional, and spatial information, amino acid conservation, physicochemical variation, residue mobility, and thermodynamic stability) performed at Invitae indicates that this missense variant is not expected to disrupt BTK protein function with a negative predictive value of 80%. In summary, the available evidence is currently insufficient to determine the role of this variant in disease. Therefore, it has been classified as a Variant of Uncertain Significance.